The following is an entry in ClinVar:

NM_001377.3(DYNC2H1):c.2566C>T (p.Gln856Ter)

Gene: DYNC2H1 (dynein cytoplasmic 2 heavy chain 1; plus strand). Cytogenetic location: 11q22.3.
Variant type: single nucleotide variant.
Coding change: c.2566C>T on transcript NM_001377.3 (MANE Select); coding-DNA position 2566, C replaced by T.
Protein change: p.Gln856Ter; replaces glutamine 856 with a stop codon.
Molecular consequence: nonsense.
Genome position (GRCh38, 1-based): chr11:103,135,940, C>T. VCF-style: chr11-103135940-C-T. GRCh37 (hg19) VCF-style: chr11-103006669-C-T.
Other names: c.2566C>T, p.Gln856Ter (NM_001080463.2); short protein forms Q856*.
Identifiers: ClinVar variation 5014268 (VCV005014268.1).

ClinVar aggregate classification (germline): Pathogenic (1 of 4 stars; one submission).

Conditions:
Asphyxiating thoracic dystrophy 3. Also called: Saldino-Noonan Syndrome; SHORT-RIB THORACIC DYSPLASIA 3 WITH OR WITHOUT POLYDACTYLY; POLYDACTYLY WITH NEONATAL CHONDRODYSTROPHY, TYPE I; SHORT-RIB THORACIC DYSPLASIA 3/6 WITH POLYDACTYLY, DIGENIC; Short rib polydactyly syndrome 2B. Identifiers: Orphanet 474, Orphanet 93269, Orphanet 93270, Orphanet 93271, MedGen C0036069, MONDO:0013127, OMIM 613091.

Submission:

Myriad Genetics, Inc.
Classification: Pathogenic for Asphyxiating thoracic dystrophy 3. Last evaluated: 2025-03-27. Review status: criteria provided, single submitter. Criteria: Myriad Autosomal Dominant, Autosomal Recessive and X-Linked Classification Criteria (2023). Collection method: clinical testing. Allele origin: unknown.
Comment: NM_001377.2(DYNC2H1):c.2566C>T(Q856*) is expected to be pathogenic in the context of DYNC2H1-related disorders. This variant is predicted to lead to an abnormal or absent protein product due to the creation of a premature termination codon in DYNC2H1, a gene where loss-of-function variants are known to be pathogenic. Please note: this variant was assessed in the context of healthy population screening.